The following is an entry in ClinVar:

NM_013450.4(BAZ2B):c.6406T>G (p.Cys2136Gly)

Gene: BAZ2B (bromodomain adjacent to zinc finger domain 2B; minus strand). Cytogenetic location: 2q24.2.
Variant type: single nucleotide variant.
Coding change: c.6406T>G on transcript NM_013450.4 (MANE Select); coding-DNA position 6406, T replaced by G.
Protein change: p.Cys2136Gly; replaces cysteine 2136 with glycine.
Molecular consequence: missense variant.
Genome position (GRCh38, 1-based): chr2:159,320,366, A>C on the plus strand (T>G on the coding strand, the complement: BAZ2B is on the minus strand). VCF-style: chr2-159320366-A-C. GRCh37 (hg19) VCF-style: chr2-160176877-A-C.
Other names: c.6298T>G, p.Cys2100Gly (NM_001289975.1); c.6349T>G, p.Cys2117Gly (NM_001329857.2); c.6331T>G, p.Cys2111Gly (NM_001329858.2); short protein forms C2100G, C2111G, C2117G, C2136G.
Identifiers: ClinVar variation 3365182 (VCV003365182.2).
Genomic context (GRCh38, chr2:159,320,366, plus strand): 5'-ACTTCCTCATATTGTGGCCAGCTCTGCCTATATCAGAATCATCTTCATTAAATGTTTCAC[A>C]GTTGTCAAAAACAAGCCTGACATCTAGAGCAAAGGTTTCAAGGTTTGGATACCTGAAAGA-3'
Protein context (NP_038478.2, residues 2126-2146): ALDVRLVFDN[Cys2136Gly]ETFNEDDSDI

ClinVar aggregate classification (germline): Uncertain significance (1 of 4 stars; one submission).

Submission:

GeneDx
Classification: Uncertain significance. Last evaluated: 2026-08-15. Review status: criteria provided, single submitter. Criteria: GeneDx Variant Classification Process June 2021. Collection method: clinical testing. Allele origin: germline.
Comment: Not observed at significant frequency in large population cohorts (gnomAD); In silico analysis supports that this missense variant has a deleterious effect on protein structure/function; Has not been previously published as pathogenic or benign to our knowledge